The following is an entry in ClinVar:

ClinVar aggregate classification (germline): Pathogenic. Review status: criteria provided, multiple submitters, no conflicts (2 of 4 stars). 2 submissions from 2 submitters: Pathogenic (2). Last evaluated 2026-02-25.

Conditions:
Cardiovascular phenotype. Identifiers: MedGen CN230736.
Myofibrillar myopathy 5. Also called: Filaminopathy (type); FILAMINOPATHY, AUTOSOMAL DOMINANT. Identifiers: Orphanet 171445, MedGen C1836050, MONDO:0012289, OMIM 609524.
Distal myopathy with posterior leg and anterior hand involvement. Also called: WILLIAMS DISTAL MYOPATHY. Identifiers: Orphanet 63273, MedGen C3279722, MONDO:0013550, OMIM 614065.
Hypertrophic cardiomyopathy 26. Also called: Cardiomyopathy, familial hypertrophic, 26. Identifiers: Orphanet 75249, MedGen C4310749, MONDO:0014883, OMIM 617047.

gnomAD v4.1: 2 of 1,614,118 alleles (0.00012%); highest among the groups gnomAD compares: Non-Finnish European, 0.00017%; no homozygotes.

Submissions (2):

Ambry Genetics
Classification: Pathogenic for Cardiovascular phenotype. Last evaluated: 2026-02-25. Review status: criteria provided, single submitter. Criteria: Ambry Variant Classification Scheme 2023. Collection method: clinical testing. Allele origin: germline.
Comment: The p.Q2501* pathogenic mutation (also known as c.7501C>T), located in coding exon 45 of the FLNC gene, results from a C to T substitution at nucleotide position 7501. This changes the amino acid from a glutamine to a stop codon within coding exon 45. This variant is considered to be rare based on population cohorts in the Genome Aggregation Database (gnomAD). This alteration is expected to result in loss of function by premature protein truncation or nonsense-mediated mRNA decay. As such, this alteration is interpreted as a disease-causing mutation for dilated cardiomyopathy; however, its clinical significance for hypertrophic/restrictive cardiomyopathy and/or skeletal myopathy is uncertain.

Labcorp Genetics (formerly Invitae), Labcorp
Classification: Pathogenic for Distal myopathy with posterior leg and anterior hand involvement; Myofibrillar myopathy 5; Hypertrophic cardiomyopathy 26. Last evaluated: 2025-07-21. Review status: criteria provided, single submitter. Criteria: Invitae Variant Classification Sherloc (09022015). Collection method: clinical testing. Allele origin: germline.
Comment: This sequence change creates a premature translational stop signal (p.Gln2501*) in the FLNC gene. It is expected to result in an absent or disrupted protein product. Loss-of-function variants in FLNC are known to be pathogenic (PMID: 27908349). This variant is present in population databases (no rsID available, gnomAD 0.007%). This premature translational stop signal has been observed in individual(s) with early-onset atrial fibrillation (PMID: 34495297). For these reasons, this variant has been classified as Pathogenic.

Literature cited by the submitters: PubMed 27908349 (cited by Labcorp Genetics (formerly Invitae), Labcorp); PubMed 34495297 (cited by Labcorp Genetics (formerly Invitae), Labcorp).

NM_001458.5(FLNC):c.7501C>T (p.Gln2501Ter)

Genes: FLNC (filamin C; plus strand), FLNC-AS1 (FLNC antisense RNA 1; minus strand). Cytogenetic location: 7q32.1.
Variant type: single nucleotide variant.
Coding change: c.7501C>T on transcript NM_001458.5 (MANE Select); coding-DNA position 7501, C replaced by T.
Protein change: p.Gln2501Ter; replaces glutamine 2501 with a stop codon.
Molecular consequence: nonsense.
Genome position (GRCh38, 1-based): chr7:128,856,861, C>T. VCF-style: chr7-128856861-C-T. GRCh37 (hg19) VCF-style: chr7-128496915-C-T.
Other names: c.7402C>T, p.Gln2468Ter (NM_001127487.2); short protein forms Q2468*, Q2501*.
Identifiers: ClinVar variation 4812447 (VCV004812447.2).